The following is an entry in ClinVar:

NM_004655.4(AXIN2):c.1730C>G (p.Thr577Ser)

Gene: AXIN2 (axin 2; minus strand). Cytogenetic location: 17q24.1.
Variant type: single nucleotide variant.
Coding change: c.1730C>G on transcript NM_004655.4 (MANE Select); coding-DNA position 1730, C replaced by G.
Protein change: p.Thr577Ser; replaces threonine 577 with serine.
Molecular consequence: missense variant. On other transcripts: intron variant (1).
Genome position (GRCh38, 1-based): chr17:65,537,046, G>C on the plus strand (C>G on the coding strand, the complement: AXIN2 is on the minus strand). VCF-style: chr17-65537046-G-C. GRCh37 (hg19) VCF-style: chr17-63533164-G-C.
Other names: c.1712+278C>G (NM_001363813.1); short protein forms T577S.
Identifiers: ClinVar variation 2843263 (VCV002843263.3), dbSNP rs760939811, ClinGen allele CA400676728.

ClinVar aggregate classification (germline): Uncertain significance (1 of 4 stars; one submission).

Conditions:
Oligodontia-cancer predisposition syndrome. Also called: TOOTH AGENESIS-COLORECTAL CANCER SYNDROME. Identifiers: Orphanet 300576, MedGen C1837750, MONDO:0012075, OMIM 608615. Disease mechanism: loss of function.

Submission:

Labcorp Genetics (formerly Invitae), Labcorp
Classification: Uncertain significance for Oligodontia-cancer predisposition syndrome. Last evaluated: 2023-03-07. Review status: criteria provided, single submitter. Criteria: Invitae Variant Classification Sherloc (09022015). Collection method: clinical testing. Allele origin: germline.
Comment: This sequence change replaces threonine, which is neutral and polar, with serine, which is neutral and polar, at codon 577 of the AXIN2 protein (p.Thr577Ser). This variant is not present in population databases (gnomAD no frequency). This variant has not been reported in the literature in individuals affected with AXIN2-related conditions. Advanced modeling of protein sequence and biophysical properties (such as structural, functional, and spatial information, amino acid conservation, physicochemical variation, residue mobility, and thermodynamic stability) performed at Invitae indicates that this missense variant is not expected to disrupt AXIN2 protein function. In summary, the available evidence is currently insufficient to determine the role of this variant in disease. Therefore, it has been classified as a Variant of Uncertain Significance.